The following is an entry in ClinVar:

NM_020937.4(FANCM):c.4831G>C (p.Glu1611Gln)

Gene: FANCM (FA complementation group M; plus strand). Cytogenetic location: 14q21.2.
Variant type: single nucleotide variant.
Coding change: c.4831G>C on transcript NM_020937.4 (MANE Select); coding-DNA position 4831, G replaced by C.
Protein change: p.Glu1611Gln; replaces glutamic acid 1611 with glutamine.
Molecular consequence: missense variant.
Genome position (GRCh38, 1-based): chr14:45,188,853, G>C. VCF-style: chr14-45188853-G-C. GRCh37 (hg19) VCF-style: chr14-45658056-G-C.
Other names: c.4753G>C, p.Glu1585Gln (NM_001308133.2); short protein forms E1585Q, E1611Q.
Identifiers: ClinVar variation 4022850 (VCV004022850.1).

ClinVar aggregate classification (germline): Uncertain significance (1 of 4 stars; one submission).

Conditions:
Inborn genetic diseases. Identifiers: MedGen C0950123, MeSH D030342.

Submission:

Ambry Genetics
Classification: Uncertain significance for Inborn genetic diseases. Last evaluated: 2025-06-03. Review status: criteria provided, single submitter. Criteria: Ambry Variant Classification Scheme 2023. Collection method: clinical testing. Allele origin: germline.
Comment: The p.E1611Q variant (also known as c.4831G>C), located in coding exon 20 of the FANCM gene, results from a G to C substitution at nucleotide position 4831. The glutamic acid at codon 1611 is replaced by glutamine, an amino acid with highly similar properties. This amino acid position is conserved. In addition, this alteration is predicted to be tolerated by in silico analysis. Based on the available evidence, the clinical significance of this variant remains unclear.